The following is an entry in ClinVar:

ClinVar aggregate classification (germline): Pathogenic. Review status: criteria provided, multiple submitters, no conflicts (2 of 4 stars). 2 submissions from 2 submitters: Pathogenic (2). Last evaluated 2024-09-10.

Conditions:
Hereditary cancer-predisposing syndrome. Also called: Tumor predisposition; Neoplastic Syndromes, Hereditary; Hereditary Cancer Syndrome; Hereditary neoplastic syndrome. Identifiers: Orphanet 140162, MedGen C0027672, MeSH D009386, MONDO:0015356.
Hereditary breast ovarian cancer syndrome. Also called: Hereditary breast and ovarian cancer; Breast and ovarian cancer; Hereditary breast and/or ovarian cancer syndrome; Hereditary breast and ovarian cancer syndrome; BRCA1- and BRCA2-Associated Hereditary Breast and Ovarian Cancer; Hereditary breast and ovarian cancer syndrome (HBOC). Identifiers: Orphanet 145, MedGen C0677776, MeSH D061325, MONDO:0003582. Disease mechanism: loss of function.

Submissions (2):

Ambry Genetics
Classification: Pathogenic for Hereditary cancer-predisposing syndrome. Last evaluated: 2024-09-10. Review status: criteria provided, single submitter. Criteria: Ambry Variant Classification Scheme 2023. Collection method: clinical testing. Allele origin: germline.
Comment: The c.3190delA pathogenic mutation, located in coding exon 9 of the BRCA1 gene, results from a deletion of one nucleotide at nucleotide position 3190, causing a translational frameshift with a predicted alternate stop codon (p.S1064Vfs*9). This variant is considered to be rare based on population cohorts in the Genome Aggregation Database (gnomAD). This alteration is expected to result in loss of function by premature protein truncation or nonsense-mediated mRNA decay. As such, this alteration is interpreted as a disease-causing mutation.

Labcorp Genetics (formerly Invitae), Labcorp
Classification: Pathogenic for Hereditary breast ovarian cancer syndrome. Last evaluated: 2024-02-05. Review status: criteria provided, single submitter. Criteria: Invitae Variant Classification Sherloc (09022015). Collection method: clinical testing. Allele origin: germline.
Comment: This sequence change creates a premature translational stop signal (p.Ser1064Valfs*9) in the BRCA1 gene. It is expected to result in an absent or disrupted protein product. Loss-of-function variants in BRCA1 are known to be pathogenic (PMID: 20104584). This variant is not present in population databases (gnomAD no frequency). This variant has not been reported in the literature in individuals affected with BRCA1-related conditions. For these reasons, this variant has been classified as Pathogenic.

Literature cited by the submitters: PubMed 20104584 (cited by Labcorp Genetics (formerly Invitae), Labcorp).

NM_007294.4(BRCA1):c.3190del (p.Ser1064fs)

Gene: BRCA1 (BRCA1 DNA repair associated; minus strand). Cytogenetic location: 17q21.31.
Variant type: Deletion.
Coding change: c.3190del on transcript NM_007294.4 (MANE Select); coding-DNA position 3190, one base deleted (A; older notation c.3190delA).
Protein change: p.Ser1064fs; shifts the reading frame from serine 1064.
Molecular consequence: frameshift variant. On other transcripts: intron variant (137).
Genome position (GRCh38, 1-based): chr17:43,092,341, T deleted on the plus strand (A on the coding strand, the reverse complement: BRCA1 is on the minus strand). VCF-style (leftmost placement, unchanged base first): chr17-43092340-CT-C. GRCh37 (hg19) VCF-style: chr17-41244357-CT-C.
Other names: c.524-1309del (NM_001408500.1, NM_001408497.1, NM_001408496.1 and 3 more transcripts); c.3112del, p.Ser1038fs (NM_001407654.1, NM_001407655.1, NM_001407656.1 and 4 more transcripts); c.647-1309del (NM_001408466.1, NM_001408452.1, NM_001408457.1 and 11 more transcripts); c.788-1309del (NM_001407973.1, NM_001407980.1, NM_001407993.1 and 17 more transcripts); c.404-1309del (NM_001408511.1); c.662-1309del (NM_001408448.1, NM_001408446.1, NM_001408435.1 and 6 more transcripts); c.785-1309del (NM_001407991.1, NM_001408397.1, NM_001408401.1 and 13 more transcripts); c.665-1309del (NM_001408427.1, NM_001408436.1, NM_001408444.1 and 12 more transcripts); and 41 more; short protein forms S1037fs, S1063fs, S768fs, S936fs, S953fs, S1061fs, S937fs, S976fs.
Identifiers: ClinVar variation 3481851 (VCV003481851.3).